The following is an entry in ClinVar:

NM_004431.5(EPHA2):c.37C>T (p.Leu13=)

Genes: EPHA2 (EPH receptor A2; minus strand), EPHA2-AS1 (EPHA2 antisense RNA 1; plus strand). Cytogenetic location: 1p36.13.
Variant type: single nucleotide variant.
Coding change: c.37C>T on transcript NM_004431.5 (MANE Select); coding-DNA position 37, C replaced by T.
Protein change: p.Leu13=; no amino-acid change (leucine 13 retained).
Molecular consequence: synonymous variant. On other transcripts: 5 prime UTR variant (1).
Genome position (GRCh38, 1-based): chr1:16,155,896, G>A on the plus strand (C>T on the coding strand, the complement: EPHA2 is on the minus strand). VCF-style: chr1-16155896-G-A. GRCh37 (hg19) VCF-style: chr1-16482391-G-A.
Other names: c.-58C>T (NM_001329090.2).
Identifiers: ClinVar variation 4983853 (VCV004983853.1).

ClinVar aggregate classification (germline): Likely benign (1 of 4 stars; one submission).

Conditions:
EPHA2-related disorder. Also called: EPHA2-related condition.

Submission:

PreventionGenetics, part of Exact Sciences
Classification: Likely benign for EPHA2-related condition. Last evaluated: 2025-03-04. Review status: criteria provided, single submitter. Criteria: ACMG Guidelines, 2015. Collection method: clinical testing. Allele origin: germline.
Comment: This variant is classified as likely benign based on ACMG/AMP sequence variant interpretation guidelines (Richards et al. 2015 PMID: 25741868, with internal and published modifications).